The following is an entry in ClinVar:

ClinVar aggregate classification (germline): Pathogenic/Likely pathogenic. Review status: criteria provided, multiple submitters, no conflicts (2 of 4 stars). 7 submissions from 7 submitters: Pathogenic (4); Likely pathogenic (3). Last evaluated 2026-01-12.

Conditions:
Joubert syndrome 6 (JBTS6). Identifiers: Orphanet 475, MedGen C1853153, MONDO:0012539, OMIM 610688.
Nephronophthisis 11 (NPHP11). Identifiers: Orphanet 84081, MedGen C3150796, MONDO:0013302, OMIM 613550.
COACH syndrome 1. Identifiers: Orphanet 1454, MedGen C5435651, MONDO:0800103, OMIM 216360, MONDO:0008996.
RHYNS syndrome. Also called: RETINITIS PIGMENTOSA SYNDROME; RETINITIS PIGMENTOSA, HYPOPITUITARISM, NEPHRONOPHTHISIS, AND MILD SKELETAL DYSPLASIA. Identifiers: Orphanet 140976, MedGen C1865794, MONDO:0011202, OMIM 602152.
Bardet-Biedl syndrome 14 (BBS14). Identifiers: Orphanet 110, MedGen C2673874, MONDO:0014442, OMIM 615991.
Meckel syndrome, type 3 (MKS3). Also called: MECKEL-GRUBER SYNDROME, TYPE 3. Identifiers: Orphanet 564, MedGen C1846357, MONDO:0011821, OMIM 607361.
TMEM67-related disorder. Also called: TMEM67-related condition; TMEM67-related disorders. Identifiers: MedGen CN239423.
Joubert syndrome. Also called: Familial aplasia of the vermis; JOUBERT-BOLTSHAUSER SYNDROME. Identifiers: Orphanet 475, MedGen C5979921, MONDO:0018772.
Meckel-Gruber syndrome. Also called: DYSENCEPHALIA SPLANCHNOCYSTICA; GRUBER SYNDROME; Dysencephalia splachnocystica. Identifiers: Orphanet 564, MedGen C0265215, MONDO:0018921.

Allele frequency attached by ClinVar (database versions not stated): gnomAD exomes below 0.00001; gnomAD 0.00001; TOPMed 0.00001.
gnomAD v4.1: 7 of 1,612,300 alleles (0.00043%); highest among the groups gnomAD compares: Non-Finnish European, 0.00059%; no homozygotes.

Submissions (7):

Labcorp Genetics (formerly Invitae), Labcorp
Classification: Pathogenic for Joubert syndrome; Meckel-Gruber syndrome. Last evaluated: 2026-01-12. Review status: criteria provided, single submitter. Criteria: Invitae Variant Classification Sherloc (09022015). Collection method: clinical testing. Allele origin: germline.
Comment: This sequence change replaces threonine, which is neutral and polar, with lysine, which is basic and polar, at codon 372 of the TMEM67 protein (p.Thr372Lys). The frequency data for this variant in the population databases is considered unreliable, as metrics indicate poor data quality at this position in the gnomAD database. This missense change has been observed in individual(s) with Joubert syndrome (PMID: 12368986, 19058225, 19574260, 20232449, 25920555, 26092869). It has also been observed to segregate with disease in related individuals. ClinVar contains an entry for this variant (Variation ID: 217726). Invitae Evidence Modeling of protein sequence and biophysical properties (such as structural, functional, and spatial information, amino acid conservation, physicochemical variation, residue mobility, and thermodynamic stability) indicates that this missense variant is expected to disrupt TMEM67 protein function with a positive predictive value of 95%. For these reasons, this variant has been classified as Pathogenic.

PreventionGenetics, part of Exact Sciences
Classification: Likely pathogenic for TMEM67-related condition. Last evaluated: 2025-07-24. Review status: criteria provided, single submitter. Criteria: ACMG Guidelines, 2015. Collection method: clinical testing. Allele origin: germline.
Comment: The TMEM67 c.1115C>A variant is predicted to result in the amino acid substitution p.Thr372Lys. This variant has been reported in the homozygous state or with a second TMEM67 variant in individuals with TMEM67-related disorders (see, for example: Brancati et al. 2009. PubMed ID: 19058225; Table S5, Bachmann-Gagescu et al. 2015. PubMed ID: 26092869; Aksu Uzunhan et al. 2022. PubMed ID: 36580738). This variant is reported in 0.00088% of alleles in individuals of European (non-Finnish) descent in gnomAD. This variant is interpreted as likely pathogenic.

Fulgent Genetics
Classification: Pathogenic for COACH syndrome 1; RHYNS syndrome; Meckel syndrome, type 3; Joubert syndrome 6; Nephronophthisis 11; Bardet-Biedl syndrome 14. Last evaluated: 2024-06-06. Review status: criteria provided, single submitter. Criteria: ACMG Guidelines, 2015. Collection method: clinical testing. Allele origin: germline.

GeneDx
Classification: Likely pathogenic. Last evaluated: 2024-01-25. Review status: criteria provided, single submitter. Criteria: GeneDx Variant Classification Process June 2021. Collection method: clinical testing. Allele origin: germline. Affected: yes.
Comment: Observed multiple times in the homozygous state or with a second TMEM67 variant in individuals with Joubert syndrome and related disorders in the literature (PMID: 19058225, 19574260, 20232449, 25920555, 28838911, 36580738); Not observed at significant frequency in large population cohorts (gnomAD); In silico analysis supports that this missense variant has a deleterious effect on protein structure/function; This variant is associated with the following publications: (PMID: 26092869, 19058225, 20232449, 19466712, 28838911, 32000717, 19574260, 12368986, 36090483, 36580738, 25920555)

Blueprint Genetics
Classification: Pathogenic for TMEM67-related disorders. Last evaluated: 2022-09-08. Review status: criteria provided, single submitter. Criteria: ACMG Guidelines, 2015. Collection method: clinical testing. Allele origin: germline. Affected: yes. Observed: 5 variant alleles.

Revvity Omics, Revvity
Classification: Likely pathogenic. Last evaluated: 2022-06-29. Review status: criteria provided, single submitter. Criteria: ACMG Guidelines, 2015. Collection method: clinical testing. Allele origin: germline.

UW Hindbrain Malformation Research Program, University of Washington
Classification: Pathogenic for Joubert syndrome 6. Last evaluated: 2015-02-23. Review status: criteria provided, single submitter. Criteria: Bachmann-Gagescu et al. (J Med Genet. 2015). Collection method: research. Allele origin: unknown. Affected: yes.

Literature cited by the submitters: PubMed 12368986 (cited by Labcorp Genetics (formerly Invitae), Labcorp); PubMed 19058225 (cited by Labcorp Genetics (formerly Invitae), Labcorp); PubMed 19574260 (cited by Labcorp Genetics (formerly Invitae), Labcorp); PubMed 20232449 (cited by Labcorp Genetics (formerly Invitae), Labcorp); PubMed 25920555 (cited by Labcorp Genetics (formerly Invitae), Labcorp); PubMed 26092869 (cited by Labcorp Genetics (formerly Invitae), Labcorp).

NM_153704.6(TMEM67):c.1115C>A (p.Thr372Lys)

Gene: TMEM67 (transmembrane protein 67; plus strand). Cytogenetic location: 8q22.1.
Variant type: single nucleotide variant.
Coding change: c.1115C>A on transcript NM_153704.6 (MANE Select); coding-DNA position 1115, C replaced by A.
Protein change: p.Thr372Lys; replaces threonine 372 with lysine.
Molecular consequence: missense variant. On other transcripts: non-coding transcript variant (1).
Genome position (GRCh38, 1-based): chr8:93,782,444, C>A. VCF-style: chr8-93782444-C-A. GRCh37 (hg19) VCF-style: chr8-94794672-C-A.
Other names: c.872C>A, p.Thr291Lys (NM_001142301.1); short protein forms T291K, T372K.
Identifiers: ClinVar variation 217726 (VCV000217726.21), dbSNP rs863225235, ClinGen allele CA279345.